The following is an entry in ClinVar:

NM_139137.4(KCNC2):c.1052G>A (p.Arg351Lys)

Gene: KCNC2 (potassium voltage-gated channel subfamily C member 2; minus strand). Cytogenetic location: 12q21.1.
Variant type: single nucleotide variant.
Coding change: c.1052G>A on transcript NM_139137.4 (MANE Select); coding-DNA position 1052, G replaced by A.
Protein change: p.Arg351Lys; replaces arginine 351 with lysine.
Molecular consequence: missense variant.
Genome position (GRCh38, 1-based): chr12:75,050,953, C>T on the plus strand (G>A on the coding strand, the complement: KCNC2 is on the minus strand). VCF-style: chr12-75050953-C-T. GRCh37 (hg19) VCF-style: chr12-75444733-C-T.
Other names: c.1052G>A, p.Arg351Lys (NM_001260497.2, NM_001260498.2, NM_001260499.2 and 2 more transcripts); short protein forms R351K.
Identifiers: ClinVar variation 1411978 (VCV001411978.7), dbSNP rs2136944684, ClinGen allele CA385925964.

ClinVar aggregate classification (germline): Pathogenic. Review status: criteria provided, single submitter (1 of 4 stars). 2 submissions from 2 submitters: Pathogenic (1). 1 of the submissions does not count toward it. Last evaluated 2024-02-20.

Conditions:
Developmental and epileptic encephalopathy 103 (DEE103). Identifiers: MedGen C5677002, MONDO:0030957, OMIM 619913.

Submissions (2):

Labcorp Genetics (formerly Invitae), Labcorp
Classification: Pathogenic. Last evaluated: 2024-02-20. Review status: criteria provided, single submitter. Criteria: Invitae Variant Classification Sherloc (09022015). Collection method: clinical testing. Allele origin: germline.
Comment: This sequence change replaces arginine, which is basic and polar, with lysine, which is basic and polar, at codon 351 of the KCNC2 protein (p.Arg351Lys). This variant is not present in population databases (gnomAD no frequency). This missense change has been observed in individual(s) with developmental and epileptic encephalopathy (PMID: 34580403, 35314505). In at least one individual the variant was observed to be de novo. ClinVar contains an entry for this variant (Variation ID: 1411978). Advanced modeling of protein sequence and biophysical properties (such as structural, functional, and spatial information, amino acid conservation, physicochemical variation, residue mobility, and thermodynamic stability) performed at Invitae indicates that this missense variant is not expected to disrupt KCNC2 protein function with a negative predictive value of 80%. For these reasons, this variant has been classified as Pathogenic.

OMIM
Classification: Pathogenic for DEVELOPMENTAL AND EPILEPTIC ENCEPHALOPATHY 103. Last evaluated: 2022-06-15. Review status: no assertion criteria provided. Collection method: literature only. Allele origin: germline. Not counted in ClinVar's aggregate classification.

Literature cited by the submitters: PubMed 34580403 (cited by Labcorp Genetics (formerly Invitae), Labcorp); PubMed 35314505 (cited by Labcorp Genetics (formerly Invitae), Labcorp and OMIM).